The following is an entry in ClinVar:

NM_006922.4(SCN3A):c.20T>C (p.Val7Ala)

Gene: SCN3A (sodium voltage-gated channel alpha subunit 3; minus strand). Cytogenetic location: 2q24.3.
Variant type: single nucleotide variant.
Coding change: c.20T>C on transcript NM_006922.4 (MANE Select); coding-DNA position 20, T replaced by C.
Protein change: p.Val7Ala; replaces valine 7 with alanine.
Molecular consequence: missense variant.
Genome position (GRCh38, 1-based): chr2:165,176,375, A>G on the plus strand (T>C on the coding strand, the complement: SCN3A is on the minus strand). VCF-style: chr2-165176375-A-G. GRCh37 (hg19) VCF-style: chr2-166032885-A-G.
Other names: c.20T>C, p.Val7Ala (NM_001081676.2, NM_001081677.2); short protein forms V7A.
Identifiers: ClinVar variation 1968012 (VCV001968012.8), dbSNP rs1690467978, ClinGen allele CA349241242.

ClinVar aggregate classification (germline): Uncertain significance. Review status: criteria provided, multiple submitters, no conflicts (2 of 4 stars). 2 submissions from 2 submitters: Uncertain significance (2). Last evaluated 2025-09-24.

Submissions (2):

Labcorp Genetics (formerly Invitae), Labcorp
Classification: Uncertain significance. Last evaluated: 2025-09-24. Review status: criteria provided, single submitter. Criteria: Invitae Variant Classification Sherloc (09022015). Collection method: clinical testing. Allele origin: germline.
Comment: This sequence change replaces valine, which is neutral and non-polar, with alanine, which is neutral and non-polar, at codon 7 of the SCN3A protein (p.Val7Ala). This variant is not present in population databases (gnomAD no frequency). This variant has not been reported in the literature in individuals affected with SCN3A-related conditions. ClinVar contains an entry for this variant (Variation ID: 1968012). Invitae Evidence Modeling of protein sequence and biophysical properties (such as structural, functional, and spatial information, amino acid conservation, physicochemical variation, residue mobility, and thermodynamic stability) indicates that this missense variant is not expected to disrupt SCN3A protein function with a negative predictive value of 95%. In summary, the available evidence is currently insufficient to determine the role of this variant in disease. Therefore, it has been classified as a Variant of Uncertain Significance.

Revvity Omics, Revvity
Classification: Uncertain significance. Last evaluated: 2021-11-07. Review status: criteria provided, single submitter. Criteria: ACMG Guidelines, 2015. Collection method: clinical testing. Allele origin: germline.